The following is an entry in ClinVar:

NM_014625.4(NPHS2):c.667_670dup (p.Arg224fs)

Gene: NPHS2 (NPHS2 stomatin family member, podocin; minus strand). Cytogenetic location: 1q25.2.
Variant type: Duplication.
Coding change: c.667_670dup on transcript NM_014625.4 (MANE Select); coding-DNA positions 667 to 670, 4 bases duplicated (AAGC; older notation c.667_670dupAAGC).
Protein change: p.Arg224fs; shifts the reading frame from arginine 224.
Molecular consequence: frameshift variant. On other transcripts: intron variant (1).
Genome position (GRCh38, 1-based): chr1:179,557,095-179,557,098, GCTT duplicated on the plus strand (AAGC on the coding strand, the reverse complement: NPHS2 is on the minus strand). VCF-style (leftmost placement, unchanged base first): chr1-179557094-C-CGCTT. GRCh37 (hg19) VCF-style: chr1-179526229-C-CGCTT.
Other names: c.535-2567_535-2564dup (NM_001297575.2); short protein forms R224fs.
Identifiers: ClinVar variation 5015812 (VCV005015812.1).
Genomic context (GRCh38, chr1:179,557,094, plus strand): 5'-TCTTGGGCGATGCTCTTCCTCTCTAGAAGAATTTCAGTGAGGGATCGATGTGCTAGGAGA[C>CGCTT]GCTTCATAGTGGTTTGCACAAGGAATTGCACAGCTTTAGATACATGAGCAAGACTGCTTA-3'

ClinVar aggregate classification (germline): Pathogenic (1 of 4 stars; one submission).

Conditions:
Nephrotic syndrome, type 2 (NPHS2). Also called: NEPHROTIC SYNDROME, STEROID-RESISTANT, AUTOSOMAL RECESSIVE. Identifiers: Orphanet 656, MedGen C1868672, MONDO:0010974, OMIM 600995.

Submission:

Myriad Genetics, Inc.
Classification: Pathogenic for Nephrotic syndrome, type 2. Last evaluated: 2026-04-19. Review status: criteria provided, single submitter. Criteria: Myriad Autosomal Dominant, Autosomal Recessive and X-Linked Classification Criteria (2023). Collection method: clinical testing. Allele origin: unknown.
Comment: NM_014625.2(NPHS2):c.667_670dupAAGC(R224Qfs*11) is expected to be pathogenic in the context of nephrotic syndrome, NPHS2-related. This variant is predicted to lead to an abnormal or absent protein product due to the creation of a premature termination codon in NPHS2, a gene where loss-of-function variants are known to be pathogenic. Please note: this variant was assessed in the context of healthy population screening.